The following is an entry in ClinVar:

ClinVar aggregate classification (germline): Uncertain significance. Review status: criteria provided, multiple submitters, no conflicts (2 of 4 stars). 2 submissions from 2 submitters: Uncertain significance (2). Last evaluated 2023-03-08.

gnomAD v4.1: 7 of 1,603,362 alleles (0.00044%); highest among the groups gnomAD compares: Non-Finnish European, 0.00059%; no homozygotes.

Submissions (2):

Labcorp Genetics (formerly Invitae), Labcorp
Classification: Uncertain significance. Last evaluated: 2023-03-08. Review status: criteria provided, single submitter. Criteria: Invitae Variant Classification Sherloc (09022015). Collection method: clinical testing. Allele origin: germline.
Comment: This sequence change replaces arginine, which is basic and polar, with leucine, which is neutral and non-polar, at codon 939 of the LRP5 protein (p.Arg939Leu). The frequency data for this variant in the population databases is considered unreliable, as metrics indicate poor data quality at this position in the gnomAD database. This variant has not been reported in the literature in individuals affected with LRP5-related conditions. Advanced modeling of protein sequence and biophysical properties (such as structural, functional, and spatial information, amino acid conservation, physicochemical variation, residue mobility, and thermodynamic stability) performed at Invitae indicates that this missense variant is not expected to disrupt LRP5 protein function. In summary, the available evidence is currently insufficient to determine the role of this variant in disease. Therefore, it has been classified as a Variant of Uncertain Significance.

Blueprint Genetics
Classification: Uncertain significance. Last evaluated: 2019-08-09. Review status: criteria provided, single submitter. Criteria: ACMG Guidelines, 2015. Collection method: clinical testing. Allele origin: germline.

NM_002335.4(LRP5):c.2816G>T (p.Arg939Leu)

Gene: LRP5 (LDL receptor related protein 5; plus strand). Cytogenetic location: 11q13.2.
Variant type: single nucleotide variant.
Coding change: c.2816G>T on transcript NM_002335.4 (MANE Select); coding-DNA position 2816, G replaced by T.
Protein change: p.Arg939Leu; replaces arginine 939 with leucine.
Molecular consequence: missense variant.
Genome position (GRCh38, 1-based): chr11:68,414,001, G>T. VCF-style: chr11-68414001-G-T. GRCh37 (hg19) VCF-style: chr11-68181469-G-T.
Other names: c.1073G>T, p.Arg358Leu (NM_001291902.2); short protein forms R939L, R358L.
Identifiers: ClinVar variation 2809392 (VCV002809392.4), dbSNP rs770919090, ClinGen allele CA381619006.